The following is an entry in ClinVar:

NM_020320.5(RARS2):c.1246G>T (p.Glu416Ter)

Gene: RARS2 (arginyl-tRNA synthetase 2, mitochondrial; minus strand). Cytogenetic location: 6q15.
Variant type: single nucleotide variant.
Coding change: c.1246G>T on transcript NM_020320.5 (MANE Select); coding-DNA position 1246, G replaced by T.
Protein change: p.Glu416Ter; replaces glutamic acid 416 with a stop codon.
Molecular consequence: nonsense. On other transcripts: non-coding transcript variant (23).
Genome position (GRCh38, 1-based): chr6:87,518,883, C>A on the plus strand (G>T on the coding strand, the complement: RARS2 is on the minus strand). VCF-style: chr6-87518883-C-A. GRCh37 (hg19) VCF-style: chr6-88228601-C-A.
Other names: c.721G>T, p.Glu241Ter (NM_001318785.2, NM_001350506.2, NM_001350507.2 and 4 more transcripts); c.1246G>T, p.Glu416Ter (NM_001350505.2); short protein forms E241*, E416*.
Identifiers: ClinVar variation 1335989 (VCV001335989.8), dbSNP rs143076225, ClinGen allele CA3916347.
Genomic context (GRCh38, chr6:87,518,883, plus strand): 5'-CCTGAATAATGAGTGCTGCGAGCCCGACCCTCTCTGCAGTCTCTTGTGGGTTCTTGAGTT[C>A]TTTAGTTGCTGAAACAGACAAAGGCAGCTATCTTTAGTCTACATGACACTGTGCCAATCA-3'

ClinVar aggregate classification (germline): Pathogenic/Likely pathogenic. Review status: criteria provided, multiple submitters, no conflicts (2 of 4 stars). 3 submissions from 3 submitters: Pathogenic (2); Likely pathogenic (1). Last evaluated 2024-05-22.

Conditions:
Pontocerebellar hypoplasia type 6 (PCH6). Identifiers: Orphanet 166073, MedGen C1969084, MONDO:0012683, OMIM 611523.

Allele frequency attached by ClinVar (database versions not stated): gnomAD exomes below 0.00001; ExAC 0.00001; ESP Exome Variant Server 0.00008.
gnomAD v4.1: 4 of 1,613,910 alleles (0.00025%); highest among the groups gnomAD compares: Non-Finnish European, 0.00034%; no homozygotes.

Submissions (3):

Fulgent Genetics
Classification: Likely pathogenic for Pontocerebellar hypoplasia type 6. Last evaluated: 2024-05-22. Review status: criteria provided, single submitter. Criteria: ACMG Guidelines, 2015. Collection method: clinical testing. Allele origin: germline.

Labcorp Genetics (formerly Invitae), Labcorp
Classification: Pathogenic. Last evaluated: 2023-09-04. Review status: criteria provided, single submitter. Criteria: Invitae Variant Classification Sherloc (09022015). Collection method: clinical testing. Allele origin: germline.
Comment: This sequence change creates a premature translational stop signal (p.Glu416*) in the RARS2 gene. It is expected to result in an absent or disrupted protein product. Loss-of-function variants in RARS2 are known to be pathogenic (PMID: 17847012, 22569581, 26083569). This variant is present in population databases (rs143076225, gnomAD 0.0009%). This variant has not been reported in the literature in individuals affected with RARS2-related conditions. ClinVar contains an entry for this variant (Variation ID: 1335989). For these reasons, this variant has been classified as Pathogenic.

Genetic Services Laboratory, University of Chicago
Classification: Pathogenic. Last evaluated: 2018-01-02. Review status: criteria provided, single submitter. Criteria: ACMG Guidelines, 2015. Collection method: clinical testing. Allele origin: germline. Affected: yes.

Literature cited by the submitters: PubMed 17847012 (cited by Labcorp Genetics (formerly Invitae), Labcorp); PubMed 22569581 (cited by Labcorp Genetics (formerly Invitae), Labcorp); PubMed 26083569 (cited by Labcorp Genetics (formerly Invitae), Labcorp).